The following is an entry in ClinVar:

ClinVar aggregate classification (germline): Likely benign. Review status: criteria provided, multiple submitters, no conflicts (2 of 4 stars). 2 submissions from 2 submitters: Likely benign (2). Last evaluated 2026-01-21.

Conditions:
LSR-related condition.

gnomAD v4.1: 433 of 1,613,794 alleles (0.027%); highest among the groups gnomAD compares: South Asian, 0.37%; 3 homozygotes.

Submissions (2):

PreventionGenetics, part of Exact Sciences
Classification: Likely benign for LSR-related condition. Last evaluated: 2026-01-21. Review status: criteria provided, single submitter. Criteria: ACMG Guidelines, 2015. Collection method: clinical testing. Allele origin: germline.
Comment: This variant is classified as likely benign based on ACMG/AMP sequence variant interpretation guidelines (Richards et al. 2015 PMID: 25741868, with internal and published modifications).

Labcorp Genetics (formerly Invitae), Labcorp
Classification: Likely benign. Last evaluated: 2024-04-09. Review status: criteria provided, single submitter. Criteria: Invitae Variant Classification Sherloc (09022015). Collection method: clinical testing. Allele origin: germline.

NM_205834.4(LSR):c.206C>T (p.Ser69Leu)

Gene: LSR (lipolysis stimulated lipoprotein receptor; plus strand). Cytogenetic location: 19q13.12.
Variant type: single nucleotide variant.
Coding change: c.206C>T on transcript NM_205834.4 (MANE Select); coding-DNA position 206, C replaced by T.
Protein change: p.Ser69Leu; replaces serine 69 with leucine.
Molecular consequence: missense variant.
Genome position (GRCh38, 1-based): chr19:35,250,411, C>T. VCF-style: chr19-35250411-C-T. GRCh37 (hg19) VCF-style: chr19-35741314-C-T.
Other names: c.206C>T, p.Ser69Leu (NM_001260489.2, NM_001260490.2, NM_001385215.1 and 2 more transcripts); c.350C>T (NM_205834.3); short protein forms S69L.
Identifiers: ClinVar variation 3632335 (VCV003632335.3).